The following is an entry in ClinVar:

ClinVar aggregate classification (germline): Pathogenic. Review status: criteria provided, multiple submitters, no conflicts (2 of 4 stars). 2 submissions from 2 submitters: Pathogenic (2). Last evaluated 2024-04-28.

Conditions:
Ellis-van Creveld syndrome (EVC). Also called: Chondroectodermal dysplasia; MESOECTODERMAL DYSPLASIA. Identifiers: Orphanet 289, MedGen C0013903, MONDO:0009162, OMIM 225500.
Curry-Hall syndrome (WAD). Also called: WEYERS ACRODENTAL DYSOSTOSIS. Identifiers: Orphanet 952, MedGen C0457013, MONDO:0008673, OMIM 193530.

Submissions (2):

Myriad Genetics, Inc.
Classification: Pathogenic for Ellis-van Creveld syndrome. Last evaluated: 2024-04-28. Review status: criteria provided, single submitter. Criteria: Myriad Autosomal Dominant, Autosomal Recessive and X-Linked Classification Criteria (2023). Collection method: clinical testing. Allele origin: unknown.
Comment: NM_153717.2(EVC):c.2698C>T(Q900*) is expected to be pathogenic in the context of EVC-related Ellis-van Creveld syndrome. This variant is predicted to lead to an abnormal or absent protein product due to the creation of a premature termination codon in EVC, a gene where loss-of-function variants are known to be pathogenic. Please note: this variant was assessed in the context of healthy population screening.

Labcorp Genetics (formerly Invitae), Labcorp
Classification: Pathogenic for Curry-Hall syndrome; Ellis-van Creveld syndrome. Last evaluated: 2021-07-03. Review status: criteria provided, single submitter. Criteria: Invitae Variant Classification Sherloc (09022015). Collection method: clinical testing. Allele origin: germline.
Comment: This sequence change creates a premature translational stop signal (p.Gln900*) in the EVC gene. It is expected to result in an absent or disrupted protein product. Loss-of-function variants in EVC are known to be pathogenic (PMID: 23220543). This variant is not present in population databases (ExAC no frequency). This variant has not been reported in the literature in individuals affected with EVC-related conditions. For these reasons, this variant has been classified as Pathogenic.

Literature cited by the submitters: PubMed 23220543 (cited by Labcorp Genetics (formerly Invitae), Labcorp).

NM_153717.3(EVC):c.2698C>T (p.Gln900Ter)

Gene: EVC (EvC ciliary complex subunit 1; plus strand). Cytogenetic location: 4p16.2.
Variant type: single nucleotide variant.
Coding change: c.2698C>T on transcript NM_153717.3 (MANE Select); coding-DNA position 2698, C replaced by T.
Protein change: p.Gln900Ter; replaces glutamine 900 with a stop codon.
Molecular consequence: nonsense.
Genome position (GRCh38, 1-based): chr4:5,809,527, C>T. VCF-style: chr4-5809527-C-T. GRCh37 (hg19) VCF-style: chr4-5811254-C-T.
Other names: c.2698C>T, p.Gln900Ter (NM_001306090.2); short protein forms Q900*.
Identifiers: ClinVar variation 1379233 (VCV001379233.8), dbSNP rs1039706882, ClinGen allele CA356152608.